The following is an entry in ClinVar:

NM_172107.4(KCNQ2):c.714C>T (p.Ile238=)

Gene: KCNQ2 (potassium voltage-gated channel subfamily Q member 2; minus strand). Cytogenetic location: 20q13.33.
Variant type: single nucleotide variant.
Coding change: c.714C>T on transcript NM_172107.4 (MANE Select); coding-DNA position 714, C replaced by T.
Protein change: p.Ile238=; no amino-acid change (isoleucine 238 retained).
Molecular consequence: synonymous variant.
Genome position (GRCh38, 1-based): chr20:63,442,508, G>A on the plus strand (C>T on the coding strand, the complement: KCNQ2 is on the minus strand). VCF-style: chr20-63442508-G-A. GRCh37 (hg19) VCF-style: chr20-62073861-G-A.
Other names: p.I238I:ATC>ATT; c.714C>T, p.Ile238= (NM_004518.6, NM_172106.3, NM_172108.5 and 1 more transcripts).
Identifiers: ClinVar variation 129344 (VCV000129344.28), dbSNP rs147882199, ClinGen allele CA288939.

ClinVar aggregate classification (germline): Benign. Review status: criteria provided, multiple submitters, no conflicts (2 of 4 stars). 8 submissions from 8 submitters: Benign (8). Last evaluated 2026-02-03.

Conditions:
Early-infantile DEE. Also called: Ohtahara syndrome; Early infantile epileptic encephalopathy with suppression bursts; Early infantile epileptic encephalopathy. Identifiers: Orphanet 1934, MedGen C0393706, MONDO:0800491.
Inborn genetic diseases. Identifiers: MedGen C0950123, MeSH D030342.

Allele frequency attached by ClinVar (database versions not stated): ESP Exome Variant Server 0.00015; TOPMed 0.00041; 1000 Genomes Project 30x 0.03935; 1000 Genomes Project 0.04133.
gnomAD v4.1: 13,959 of 1,613,450 alleles (0.87%); highest among the groups gnomAD compares: South Asian, 14%; 1,100 homozygotes.

Submissions (8):

Labcorp Genetics (formerly Invitae), Labcorp
Classification: Benign for Early-infantile DEE. Last evaluated: 2026-02-03. Review status: criteria provided, single submitter. Criteria: Invitae Variant Classification Sherloc (09022015). Collection method: clinical testing. Allele origin: germline.

Athena Diagnostics
Classification: Benign. Last evaluated: 2025-09-30. Review status: criteria provided, single submitter. Criteria: Athena Diagnostics Criteria. Collection method: clinical testing. Allele origin: unknown.
Comment: The frequency of this variant in the general population is higher than would generally be expected for pathogenic variants in this gene. Computational tools yielded predictions that this variant is unlikely to have an effect on normal RNA splicing. This nucleotide position exhibits low evolutionary conservation.

Ambry Genetics
Classification: Benign for Inborn genetic diseases. Last evaluated: 2016-07-08. Review status: criteria provided, single submitter. Criteria: Ambry Variant Classification Scheme 2023. Collection method: clinical testing. Allele origin: germline.

Genetic Services Laboratory, University of Chicago
Classification: Benign. Last evaluated: 2015-05-15. Review status: criteria provided, single submitter. Criteria: ACMG Guidelines, 2015. Collection method: clinical testing. Allele origin: germline.

Eurofins Ntd Llc (ga)
Classification: Benign. Last evaluated: 2015-01-07. Review status: criteria provided, single submitter. Criteria: EGL Classification Definitions 2015. Collection method: clinical testing. Allele origin: germline. Observed: 2 variant alleles, 2 heterozygotes.

GeneDx
Classification: Benign. Last evaluated: 2012-11-14. Review status: criteria provided, single submitter. Criteria: GeneDx Variant Classification (06012015). Collection method: clinical testing. Allele origin: germline. Affected: yes.
Comment: This variant is considered likely benign or benign based on one or more of the following criteria: it is a conservative change, it occurs at a poorly conserved position in the protein, it is predicted to be benign by multiple in silico algorithms, and/or has population frequency not consistent with disease.

Breakthrough Genomics
Classification: Benign. Review status: criteria provided, single submitter. Criteria: ACMG Guidelines, 2015. Collection method: not provided. Allele origin: germline. Inheritance: Autosomal dominant inheritance. Affected: yes.

PreventionGenetics, part of Exact Sciences
Classification: Benign. Review status: criteria provided, single submitter. Criteria: ACMG Guidelines, 2015. Collection method: clinical testing. Allele origin: germline.